The following is an entry in ClinVar:

ClinVar aggregate classification (germline): Uncertain significance (1 of 4 stars; one submission).

Conditions:
Aortic valve disease 2 (AOVD2). Identifiers: MedGen C3542024, MONDO:0013902, OMIM 614823.

gnomAD v4.1: 13 of 1,227,850 alleles (0.0011%); highest among the groups gnomAD compares: Middle Eastern, 0.032%; 1 homozygote.

Submission:

Labcorp Genetics (formerly Invitae), Labcorp
Classification: Uncertain significance for Aortic valve disease 2. Last evaluated: 2025-03-11. Review status: criteria provided, single submitter. Criteria: Invitae Variant Classification Sherloc (09022015). Collection method: clinical testing. Allele origin: germline.
Comment: This sequence change replaces glycine, which is neutral and non-polar, with cysteine, which is neutral and slightly polar, at codon 112 of the SMAD6 protein (p.Gly112Cys). This variant is not present in population databases (gnomAD no frequency). This variant has not been reported in the literature in individuals affected with SMAD6-related conditions. An algorithm developed to predict the effect of missense changes on protein structure and function (PolyPhen-2) suggests that this variant is likely to be disruptive. In summary, the available evidence is currently insufficient to determine the role of this variant in disease. Therefore, it has been classified as a Variant of Uncertain Significance.

NM_005585.5(SMAD6):c.334G>T (p.Gly112Cys)

Gene: SMAD6 (SMAD family member 6; plus strand). Cytogenetic location: 15q22.31.
Variant type: single nucleotide variant.
Coding change: c.334G>T on transcript NM_005585.5 (MANE Select); coding-DNA position 334, G replaced by T.
Protein change: p.Gly112Cys; replaces glycine 112 with cysteine.
Molecular consequence: missense variant. On other transcripts: non-coding transcript variant (1).
Genome position (GRCh38, 1-based): chr15:66,703,592, G>T. VCF-style: chr15-66703592-G-T. GRCh37 (hg19) VCF-style: chr15-66995930-G-T.
Other names: short protein forms G112C.
Identifiers: ClinVar variation 3730811 (VCV003730811.2).